The following is an entry in ClinVar:

ClinVar aggregate classification (germline): Conflicting classifications of pathogenicity. Review status: criteria provided, conflicting classifications (1 of 4 stars). 4 submissions from 4 submitters: Uncertain significance (1); Likely benign (2). 1 of the submissions does not count toward it. Last evaluated 2025-08-28.

Conditions:
CHL1-related disorder. Also called: CHL1-related condition.

Allele frequency attached by ClinVar (database versions not stated): gnomAD exomes 0.00020 and 0.00053; ExAC 0.00072; 1000 Genomes Project 30x 0.00203; gnomAD 0.00216 and 0.00233; 1000 Genomes Project 0.00220; TOPMed 0.00257; ESP Exome Variant Server 0.00269.
gnomAD v4.1: 650 of 1,613,712 alleles (0.04%); highest among the groups gnomAD compares: African/African-American, 0.76%; 4 homozygotes.

Submissions (4):

Ambry Genetics
Classification: Uncertain significance. Last evaluated: 2025-08-28. Review status: criteria provided, single submitter. Criteria: Ambry Variant Classification Scheme 2023. Collection method: clinical testing. Allele origin: germline.

Labcorp Genetics (formerly Invitae), Labcorp
Classification: Likely benign. Last evaluated: 2019-12-31. Review status: criteria provided, single submitter. Criteria: Invitae Variant Classification Sherloc (09022015). Collection method: clinical testing. Allele origin: germline.

Breakthrough Genomics
Classification: Likely benign. Review status: criteria provided, single submitter. Criteria: ACMG Guidelines, 2015. Collection method: not provided. Allele origin: germline. Inheritance: Unknown mechanism. Affected: yes.

PreventionGenetics, part of Exact Sciences
Classification: Benign for CHL1-related condition. Last evaluated: 2019-06-18. Review status: no assertion criteria provided. Collection method: clinical testing. Allele origin: germline. Not counted in ClinVar's aggregate classification.
Comment: This variant is classified as benign based on ACMG/AMP sequence variant interpretation guidelines (Richards et al. 2015 PMID: 25741868, with internal and published modifications).

NM_006614.4(CHL1):c.1501A>G (p.Thr501Ala)

Gene: CHL1 (cell adhesion molecule L1 like; plus strand). Cytogenetic location: 3p26.3.
Variant type: single nucleotide variant.
Coding change: c.1501A>G on transcript NM_006614.4 (MANE Select); coding-DNA position 1501, A replaced by G.
Protein change: p.Thr501Ala; replaces threonine 501 with alanine.
Molecular consequence: missense variant.
Genome position (GRCh38, 1-based): chr3:363,299, A>G. VCF-style: chr3-363299-A-G. GRCh37 (hg19) VCF-style: chr3-404982-A-G.
Other names: c.1501A>G (NM_006614.2); c.1453A>G, p.Thr485Ala (NM_001253387.2); c.1501A>G, p.Thr501Ala (NM_001253388.1); short protein forms T501A, T485A.
Identifiers: ClinVar variation 789576 (VCV000789576.8), dbSNP rs147811720, ClinGen allele CA2224756.